The following is an entry in ClinVar:

ClinVar aggregate classification (germline): Uncertain significance (1 of 4 stars; one submission).

Conditions:
Muscular dystrophy-dystroglycanopathy (congenital with impaired intellectual development), type B, 1. Also called: Muscular dystrophy-dystroglycanopathy (congenital with intellectual disability), type B1; MUSCULAR DYSTROPHY, CONGENITAL, POMT1-RELATED. Identifiers: MedGen C5436962, MONDO:0013159, OMIM 613155.
Walker-Warburg congenital muscular dystrophy. Also called: Muscular dystrophy-dystroglycanopathy, type A; Walker-Warburg syndrome. Identifiers: Orphanet 899, MedGen C0265221, MONDO:0000171.
Autosomal recessive limb-girdle muscular dystrophy type 2K. Also called: MUSCULAR DYSTROPHY-DYSTROGLYCANOPATHY (LIMB-GIRDLE), TYPE C, 1; MUSCULAR DYSTROPHY, LIMB-GIRDLE, TYPE 2K. Identifiers: Orphanet 86812, MedGen C1836373, MONDO:0012248, OMIM 609308.

gnomAD v4.1: 1 of 1,614,130 alleles (0.000062%); highest among the groups gnomAD compares: African/African-American, 0.0013%; no homozygotes.

Submission:

Labcorp Genetics (formerly Invitae), Labcorp
Classification: Uncertain significance for Muscular dystrophy-dystroglycanopathy (congenital with impaired intellectual development), type B, 1; Walker-Warburg congenital muscular dystrophy; Autosomal recessive limb-girdle muscular dystrophy type 2K. Last evaluated: 2022-08-23. Review status: criteria provided, single submitter. Criteria: Invitae Variant Classification Sherloc (09022015). Collection method: clinical testing. Allele origin: germline.
Comment: This sequence change replaces glycine, which is neutral and non-polar, with glutamic acid, which is acidic and polar, at codon 3 of the POMT1 protein (p.Gly3Glu). This variant is present in population databases (no rsID available, gnomAD 0.0009%). This variant has not been reported in the literature in individuals affected with POMT1-related conditions. Algorithms developed to predict the effect of missense changes on protein structure and function output the following: SIFT: "Tolerated"; PolyPhen-2: "Benign"; Align-GVGD: "Class C0". The glutamic acid amino acid residue is found in multiple mammalian species, which suggests that this missense change does not adversely affect protein function. In summary, the available evidence is currently insufficient to determine the role of this variant in disease. Therefore, it has been classified as a Variant of Uncertain Significance.

NM_001077365.2(POMT1):c.8G>A (p.Gly3Glu)

Gene: POMT1 (protein O-mannosyltransferase 1; plus strand). Cytogenetic location: 9q34.13.
Variant type: single nucleotide variant.
Coding change: c.8G>A on transcript NM_001077365.2 (MANE Select); coding-DNA position 8, G replaced by A.
Protein change: p.Gly3Glu; replaces glycine 3 with glutamic acid.
Molecular consequence: missense variant. On other transcripts: 5 prime UTR variant (4), non-coding transcript variant (4), intron variant (9).
Genome position (GRCh38, 1-based): chr9:131,504,226, G>A. VCF-style: chr9-131504226-G-A. GRCh37 (hg19) VCF-style: chr9-134379613-G-A.
Other names: c.8G>A, p.Gly3Glu (NM_001136113.2, NM_001353193.2, NM_001353196.2 and 2 more transcripts); c.-237G>A (NM_001353195.2); c.-464G>A (NM_001353198.2); c.-186G>A (NM_001374692.1); c.-144G>A (NM_001374695.1); c.-41+913G>A (NM_001353194.2); c.-72+913G>A (NM_001374691.1); c.-41+1153G>A (NM_001374689.1, NM_001353197.2, NM_001077366.2 and 1 more transcripts); and 2 more; short protein forms G3E.
Identifiers: ClinVar variation 2078874 (VCV002078874.1), dbSNP rs975217678, ClinGen allele CA375305030.